The following is an entry in ClinVar:

ClinVar aggregate classification (germline): Conflicting classifications of pathogenicity. Review status: criteria provided, conflicting classifications (1 of 4 stars). 2 submissions from 2 submitters: Uncertain significance (1); Likely benign (1). Last evaluated 2023-03-23.

Conditions:
Hereditary cancer-predisposing syndrome. Also called: Neoplastic Syndromes, Hereditary; Tumor predisposition; Hereditary Cancer Syndrome; Hereditary neoplastic syndrome. Identifiers: Orphanet 140162, MedGen C0027672, MeSH D009386, MONDO:0015356.

Submissions (2):

University of Washington Department of Laboratory Medicine, University of Washington
Classification: Likely benign for Hereditary cancer-predisposing syndrome. Last evaluated: 2023-03-23. Review status: criteria provided, single submitter. Criteria: Dines et al. (Genet Med. 2020). Collection method: curation. Allele origin: germline.
Comment: Missense variant in a coldspot region where missense variants are very unlikely to be pathogenic (PMID:31911673).

BRCA2 exon 10 coldspot. Reclassification based on statistical prior probability.

Ambry Genetics
Classification: Uncertain significance for Hereditary cancer-predisposing syndrome. Last evaluated: 2019-08-04. Review status: criteria provided, single submitter. Criteria: Ambry Variant Classification Scheme 2023. Collection method: clinical testing. Allele origin: germline.
Comment: The p.E409G variant (also known as c.1226A>G), located in coding exon 9 of the BRCA2 gene, results from an A to G substitution at nucleotide position 1226. The glutamic acid at codon 409 is replaced by glycine, an amino acid with similar properties. This amino acid position is not well conserved in available vertebrate species. In addition, this alteration is predicted to be tolerated by in silico analysis. Since supporting evidence is limited at this time, the clinical significance of this alteration remains unclear.

NM_000059.4(BRCA2):c.1226A>G (p.Glu409Gly)

Gene: BRCA2 (BRCA2 DNA repair associated; plus strand). Cytogenetic location: 13q13.1.
Variant type: single nucleotide variant.
Coding change: c.1226A>G on transcript NM_000059.4 (MANE Select); coding-DNA position 1226, A replaced by G.
Protein change: p.Glu409Gly; replaces glutamic acid 409 with glycine.
Molecular consequence: missense variant.
Genome position (GRCh38, 1-based): chr13:32,332,704, A>G. VCF-style: chr13-32332704-A-G. GRCh37 (hg19) VCF-style: chr13-32906841-A-G.
Other names: c.1226A>G, p.Glu409Gly (NM_001406719.1, NM_001406720.1, NM_001406721.1); short protein forms E409G.
Identifiers: ClinVar variation 1754262 (VCV001754262.4), dbSNP rs2137468976, ClinGen allele CA387762160.